The following is an entry in ClinVar:

NM_015311.3(OBSL1):c.5309-12C>G

Gene: OBSL1 (obscurin like cytoskeletal adaptor 1; minus strand). Cytogenetic location: 2q35.
Variant type: single nucleotide variant.
Coding change: c.5309-12C>G on transcript NM_015311.3 (MANE Select); 12 bases into the intron before coding-DNA position 5309, C replaced by G.
Molecular consequence: intron variant.
Genome position (GRCh38, 1-based): chr2:219,552,228, G>C on the plus strand (C>G on the coding strand, the complement: OBSL1 is on the minus strand). VCF-style: chr2-219552228-G-C. GRCh37 (hg19) VCF-style: chr2-220416950-G-C.
Identifiers: ClinVar variation 1899254 (VCV001899254.5), dbSNP rs560438428, ClinGen allele CA2130282.

ClinVar aggregate classification (germline): Uncertain significance (1 of 4 stars; one submission).

Allele frequency attached by ClinVar (database versions not stated): TOPMed 0.00003; ExAC 0.00004; gnomAD 0.00005; 1000 Genomes Project 30x 0.00016; 1000 Genomes Project 0.00020.
gnomAD v4.1: 9 of 1,583,576 alleles (0.00057%); highest among the groups gnomAD compares: African/African-American, 0.012%; no homozygotes.

Submission:

Labcorp Genetics (formerly Invitae), Labcorp
Classification: Uncertain significance. Last evaluated: 2022-03-25. Review status: criteria provided, single submitter. Criteria: Invitae Variant Classification Sherloc (09022015). Collection method: clinical testing. Allele origin: germline.
Comment: In summary, the available evidence is currently insufficient to determine the role of this variant in disease. Therefore, it has been classified as a Variant of Uncertain Significance. Algorithms developed to predict the effect of sequence changes on RNA splicing suggest that this variant may disrupt the consensus splice site. This variant has not been reported in the literature in individuals affected with OBSL1-related conditions. This variant is present in population databases (rs560438428, gnomAD 0.02%). This sequence change falls in intron 18 of the OBSL1 gene. It does not directly change the encoded amino acid sequence of the OBSL1 protein.